The following is an entry in ClinVar:

NM_000535.7(PMS2):c.1915del (p.Ser639fs)

Gene: PMS2 (PMS1 homolog 2, mismatch repair system component; minus strand). Cytogenetic location: 7p22.1.
Variant type: Deletion.
Coding change: c.1915del on transcript NM_000535.7 (MANE Select); coding-DNA position 1915, one base deleted (A; older notation c.1915delA).
Protein change: p.Ser639fs; shifts the reading frame from serine 639.
Molecular consequence: frameshift variant. On other transcripts: non-coding transcript variant (1), intron variant (1).
Genome position (GRCh38, 1-based): chr7:5,986,850, T deleted on the plus strand (A on the coding strand, the reverse complement: PMS2 is on the minus strand); the first of 3 consecutive T bases (chr7:5,986,850-5,986,852); deleting any one gives the same sequence. VCF-style (leftmost placement, unchanged base first): chr7-5986849-CT-C. GRCh37 (hg19) VCF-style: chr7-6026480-CT-C.
Other names: c.1508delA, p.Ser504Valfs (NM_001018040.1); c.1510del, p.Ser504fs (NM_001322003.2, NM_001322004.2, NM_001322005.2 and 16 more transcripts); c.1759del, p.Ser587fs (NM_001322006.2, NM_001406870.1); c.1597del, p.Ser533fs (NM_001322007.2, NM_001322008.2, NM_001406876.1 and 2 more transcripts); c.1354del, p.Ser452fs (NM_001322010.2, NM_001406906.1, NM_001406907.1); c.982del, p.Ser328fs (NM_001322011.2, NM_001322012.2); c.1342del, p.Ser448fs (NM_001322013.2, NM_001406909.1); c.1915del, p.Ser639fs (NM_001322014.2, NM_001406871.1, NM_001406872.1); and 15 more; short protein forms S448fs, S452fs, S484fs, S587fs, S639fs, S701fs, S527fs, S531fs.
Identifiers: ClinVar variation 2771522 (VCV002771522.4), dbSNP rs2535713122, ClinGen allele CA2697553875.

ClinVar aggregate classification (germline): Pathogenic. Review status: criteria provided, multiple submitters, no conflicts (2 of 4 stars). 2 submissions from 2 submitters: Pathogenic (2). Last evaluated 2024-05-18.

Conditions:
Hereditary nonpolyposis colorectal neoplasms. Identifiers: MedGen C0009405, MeSH D003123.
Hereditary cancer-predisposing syndrome. Also called: Hereditary neoplastic syndrome; Hereditary Cancer Syndrome; Neoplastic Syndromes, Hereditary; Tumor predisposition. Identifiers: Orphanet 140162, MedGen C0027672, MeSH D009386, MONDO:0015356.

Submissions (2):

Ambry Genetics
Classification: Pathogenic for Hereditary cancer-predisposing syndrome. Last evaluated: 2024-05-18. Review status: criteria provided, single submitter. Criteria: Ambry Variant Classification Scheme 2023. Collection method: clinical testing. Allele origin: germline.
Comment: The c.1915delA pathogenic mutation, located in coding exon 11 of the PMS2 gene, results from a deletion of one nucleotide at nucleotide position 1915, causing a translational frameshift with a predicted alternate stop codon (p.S639Vfs*26). This variant is considered to be rare based on population cohorts in the Genome Aggregation Database (gnomAD). This alteration is expected to result in loss of function by premature protein truncation or nonsense-mediated mRNA decay. As such, this alteration is interpreted as a disease-causing mutation.

Labcorp Genetics (formerly Invitae), Labcorp
Classification: Pathogenic for Hereditary nonpolyposis colorectal neoplasms. Last evaluated: 2023-10-24. Review status: criteria provided, single submitter. Criteria: Invitae Variant Classification Sherloc (09022015). Collection method: clinical testing. Allele origin: germline.
Comment: This sequence change creates a premature translational stop signal (p.Ser639Valfs*26) in the PMS2 gene. It is expected to result in an absent or disrupted protein product. Loss-of-function variants in PMS2 are known to be pathogenic (PMID: 21376568, 24362816). This variant is not present in population databases (gnomAD no frequency). This variant has not been reported in the literature in individuals affected with PMS2-related conditions. For these reasons, this variant has been classified as Pathogenic.

Literature cited by the submitters: PubMed 21376568 (cited by Labcorp Genetics (formerly Invitae), Labcorp); PubMed 24362816 (cited by Labcorp Genetics (formerly Invitae), Labcorp).